The following is an entry in ClinVar:

ClinVar aggregate classification (germline): Uncertain significance (1 of 4 stars; one submission).

gnomAD v4.1: 4 of 1,613,030 alleles (0.00025%); highest among the groups gnomAD compares: Non-Finnish European, 0.00017%; no homozygotes.

Submission:

Labcorp Genetics (formerly Invitae), Labcorp
Classification: Uncertain significance. Last evaluated: 2023-07-28. Review status: criteria provided, single submitter. Criteria: Invitae Variant Classification Sherloc (09022015). Collection method: clinical testing. Allele origin: germline.
Comment: This variant is not present in population databases (gnomAD no frequency). In summary, the available evidence is currently insufficient to determine the role of this variant in disease. Therefore, it has been classified as a Variant of Uncertain Significance. Advanced modeling of protein sequence and biophysical properties (such as structural, functional, and spatial information, amino acid conservation, physicochemical variation, residue mobility, and thermodynamic stability) performed at Invitae indicates that this missense variant is not expected to disrupt BCL11B protein function. This variant has not been reported in the literature in individuals affected with BCL11B-related conditions. This sequence change replaces isoleucine, which is neutral and non-polar, with methionine, which is neutral and non-polar, at codon 888 of the BCL11B protein (p.Ile888Met).

NM_138576.4(BCL11B):c.2664C>G (p.Ile888Met)

Gene: BCL11B (BCL11 transcription factor B; minus strand). Cytogenetic location: 14q32.2.
Variant type: single nucleotide variant.
Coding change: c.2664C>G on transcript NM_138576.4 (MANE Select); coding-DNA position 2664, C replaced by G.
Protein change: p.Ile888Met; replaces isoleucine 888 with methionine.
Molecular consequence: missense variant.
Genome position (GRCh38, 1-based): chr14:99,174,172, G>C on the plus strand (C>G on the coding strand, the complement: BCL11B is on the minus strand). VCF-style: chr14-99174172-G-C. GRCh37 (hg19) VCF-style: chr14-99640509-G-C.
Other names: c.2661C>G, p.Ile887Met (NM_001282237.2); c.2448C>G, p.Ile816Met (NM_001282238.2); c.2451C>G, p.Ile817Met (NM_022898.3); short protein forms I816M, I887M, I817M, I888M.
Identifiers: ClinVar variation 2776311 (VCV002776311.3), dbSNP rs1429891978, ClinGen allele CA390932685.
Genomic context (GRCh38, chr14:99,174,172, plus strand): 5'-GTTCCACTGTACAGGTGCGGGGCGCCGGGGCCCGCGCGCTTAGCTCCTCTCGGCCTGCTC[G>C]ATTTTGACGTCGTTAGTCAGCAAGTGCTCGCCGTGCCACTTTTTCATGTGTTTCTCCAGG-3'
Protein context (NP_612808.1, residues 878-894): GEHLLTNDVK[Ile888Met]EQAERS